The following is an entry in ClinVar:

ClinVar aggregate classification (germline): Uncertain significance. Review status: criteria provided, single submitter (1 of 4 stars). 2 submissions from 2 submitters: Uncertain significance (1). 1 of the submissions does not count toward it. Last evaluated 2022-06-21.

Conditions:
Inborn genetic diseases. Identifiers: MedGen C0950123, MeSH D030342.
KIDINS220-related disorder. Also called: KIDINS220-related condition.

Allele frequency attached by ClinVar (database versions not stated): gnomAD exomes below 0.00001.
gnomAD v4.1: 2 of 1,598,766 alleles (0.00013%); highest among the groups gnomAD compares: South Asian, 0.0011%; no homozygotes.

Submissions (2):

Ambry Genetics
Classification: Uncertain significance for Inborn genetic diseases. Last evaluated: 2022-06-21. Review status: criteria provided, single submitter. Criteria: Ambry Variant Classification Scheme 2023. Collection method: clinical testing. Allele origin: germline.

PreventionGenetics, part of Exact Sciences
Classification: Uncertain significance for KIDINS220-related condition. Last evaluated: 2024-02-12. Review status: no assertion criteria provided. Collection method: clinical testing. Allele origin: germline. Not counted in ClinVar's aggregate classification.
Comment: The KIDINS220 c.479G>A variant is predicted to result in the amino acid substitution p.Gly160Asp. To our knowledge, this variant has not been reported in the literature. This variant is reported in 0.00091% of alleles in individuals of European (Non-Finnish) descent in gnomAD. At this time, the clinical significance of this variant is uncertain due to the absence of conclusive functional and genetic evidence.

NM_020738.4(KIDINS220):c.479G>A (p.Gly160Asp)

Gene: KIDINS220 (kinase D interacting substrate 220; minus strand). Cytogenetic location: 2p25.1.
Variant type: single nucleotide variant.
Coding change: c.479G>A on transcript NM_020738.4 (MANE Select); coding-DNA position 479, G replaced by A.
Protein change: p.Gly160Asp; replaces glycine 160 with aspartic acid.
Molecular consequence: missense variant. On other transcripts: non-coding transcript variant (2).
Genome position (GRCh38, 1-based): chr2:8,812,420, C>T on the plus strand (G>A on the coding strand, the complement: KIDINS220 is on the minus strand). VCF-style: chr2-8812420-C-T. GRCh37 (hg19) VCF-style: chr2-8952550-C-T.
Other names: c.482G>A, p.Gly161Asp (NM_001348729.2, NM_001348731.2, NM_001348734.2 and 3 more transcripts); c.479G>A, p.Gly160Asp (NM_001348732.2, NM_001348735.2, NM_001348738.2 and 3 more transcripts); c.353G>A, p.Gly118Asp (NM_001348736.2); short protein forms G160D, G161D, G118D.
Identifiers: ClinVar variation 2296047 (VCV002296047.3), dbSNP rs1277318326, ClinGen allele CA345774142.